The following is an entry in ClinVar:

NM_017617.5(NOTCH1):c.2035A>G (p.Ile679Val)

Gene: NOTCH1 (notch receptor 1; minus strand). Cytogenetic location: 9q34.3.
Variant type: single nucleotide variant.
Coding change: c.2035A>G on transcript NM_017617.5 (MANE Select); coding-DNA position 2035, A replaced by G.
Protein change: p.Ile679Val; replaces isoleucine 679 with valine.
Molecular consequence: missense variant.
Genome position (GRCh38, 1-based): chr9:136,514,682, T>C on the plus strand (A>G on the coding strand, the complement: NOTCH1 is on the minus strand). VCF-style: chr9-136514682-T-C. GRCh37 (hg19) VCF-style: chr9-139409134-T-C.
Other names: short protein forms I679V.
Identifiers: ClinVar variation 1308234 (VCV001308234.3), dbSNP rs1273334867, ClinGen allele CA375558888.

ClinVar aggregate classification (germline): Uncertain significance. Review status: criteria provided, multiple submitters, no conflicts (2 of 4 stars). 2 submissions from 2 submitters: Uncertain significance (2). Last evaluated 2024-11-30.

Conditions:
Familial thoracic aortic aneurysm and aortic dissection (TAAD). Also called: Thoracic aortic aneurysms and dissections. Identifiers: Orphanet 91387, MedGen C4707243, MONDO:0019625.

Allele frequency attached by ClinVar (database versions not stated): gnomAD exomes below 0.00001.
gnomAD v4.1: 7 of 1,612,502 alleles (0.00043%); highest among the groups gnomAD compares: Admixed American, 0.0017%; no homozygotes.

Submissions (2):

Ambry Genetics
Classification: Uncertain significance for Familial thoracic aortic aneurysm and aortic dissection. Last evaluated: 2024-11-30. Review status: criteria provided, single submitter. Criteria: Ambry Variant Classification Scheme 2023. Collection method: clinical testing. Allele origin: germline.
Comment: The p.I679V variant (also known as c.2035A>G), located in coding exon 13 of the NOTCH1 gene, results from an A to G substitution at nucleotide position 2035. The isoleucine at codon 679 is replaced by valine, an amino acid with highly similar properties. This amino acid position is conserved. In addition, the in silico prediction for this alteration is inconclusive. Based on the available evidence, the clinical significance of this variant remains unclear.

GeneDx
Classification: Uncertain significance. Last evaluated: 2019-03-15. Review status: criteria provided, single submitter. Criteria: GeneDx Variant Classification Process June 2021. Collection method: clinical testing. Allele origin: germline. Affected: yes.
Comment: Not observed at a significant frequency in large population cohorts (Lek et al., 2016); In silico analysis, which includes protein predictors and evolutionary conservation, supports that this variant does not alter protein structure/function; Has not been previously published as pathogenic or benign to our knowledge